The following is an entry in ClinVar:

ClinVar aggregate classification (germline): Likely benign (0 of 4 stars; one submission).

Conditions:
EP300-related disorder. Also called: EP300-related disorders; EP300-related condition.

gnomAD v4.1: 1 of 1,613,870 alleles (0.000062%); highest among the groups gnomAD compares: Non-Finnish European, 0.000085%; no homozygotes.

Submission:

PreventionGenetics, part of Exact Sciences
Classification: Likely benign for EP300-related condition. Last evaluated: 2023-08-03. Review status: no assertion criteria provided. Collection method: clinical testing. Allele origin: germline.
Comment: This variant is classified as likely benign based on ACMG/AMP sequence variant interpretation guidelines (Richards et al. 2015 PMID: 25741868, with internal and published modifications).

NM_001429.4(EP300):c.726T>C (p.Leu242=)

Gene: EP300 (E1A binding protein p300; plus strand). Cytogenetic location: 22q13.2.
Variant type: single nucleotide variant.
Coding change: c.726T>C on transcript NM_001429.4 (MANE Select); coding-DNA position 726, T replaced by C.
Protein change: p.Leu242=; no amino-acid change (leucine 242 retained).
Molecular consequence: synonymous variant.
Genome position (GRCh38, 1-based): chr22:41,117,818, T>C. VCF-style: chr22-41117818-T-C. GRCh37 (hg19) VCF-style: chr22-41513822-T-C.
Other names: c.726T>C, p.Leu242= (NM_001362843.2).
Identifiers: ClinVar variation 3044274 (VCV003044274.2), dbSNP rs886057555, ClinGen allele CA514632667.